The following is an entry in ClinVar:

ClinVar aggregate classification (germline): Pathogenic (1 of 4 stars; one submission).

Conditions:
Lynch syndrome 5 (LYNCH5). Also called: Colorectal cancer, hereditary nonpolyposis, type 5; Hereditary non-polyposis colorectal cancer, type 5. Identifiers: Orphanet 144, MedGen C1833477, MONDO:0013710, OMIM 614350. Disease mechanism: loss of function.

Submission:

Myriad Genetics, Inc.
Classification: Pathogenic for Lynch syndrome 5. Last evaluated: 2023-08-23. Review status: criteria provided, single submitter. Criteria: Myriad Autosomal Dominant, Autosomal Recessive and X-Linked Classification Criteria (2023). Collection method: clinical testing. Allele origin: unknown.
Comment: This variant is considered pathogenic. This variant creates a frameshift predicted to result in premature protein truncation.

NM_000179.3(MSH6):c.3403_3407del (p.Pro1135fs)

Gene: MSH6 (mutS homolog 6; plus strand). Cytogenetic location: 2p16.3.
Variant type: Deletion.
Coding change: c.3403_3407del on transcript NM_000179.3 (MANE Select); coding-DNA positions 3403 to 3407, 5 bases deleted (CCAAA; older notation c.3403_3407delCCAAA).
Protein change: p.Pro1135fs; shifts the reading frame from proline 1135.
Molecular consequence: frameshift variant. On other transcripts: non-coding transcript variant (5).
Genome position (GRCh38, 1-based): chr2:47,803,650-47,803,654, CCAAA deleted; deleting any 5 consecutive bases within chr2:47,803,649-47,803,654 gives the same sequence; the c. name uses the placement nearest the transcript's 3' end. VCF-style (leftmost placement, unchanged base first): chr2-47803648-GACCAA-G. GRCh37 (hg19) VCF-style: chr2-48030787-GACCAA-G.
Other names: c.3013_3017del, p.Pro1005fs (NM_001281492.2); c.2497_2501del, p.Pro833fs (NM_001281493.2, NM_001281494.2, NM_001406811.1 and 6 more transcripts); c.3499_3503del, p.Pro1167fs (NM_001406795.1, NM_001406802.1); c.3403_3407del, p.Pro1135fs (NM_001406796.1, NM_001406800.1, NM_001406808.1 and 1 more transcripts); c.3106_3110del, p.Pro1036fs (NM_001406797.1, NM_001406801.1, NM_001406805.1 and 10 more transcripts); c.3229_3233del, p.Pro1077fs (NM_001406798.1); c.2878_2882del, p.Pro960fs (NM_001406799.1, NM_001406806.1, NM_001406807.1); c.2539_2543del, p.Pro847fs (NM_001406803.1); and 7 more; short protein forms P1005fs, P1036fs, P1077fs, P1079fs, P1109fs, P1135fs, P1137fs, P1167fs.
Identifiers: ClinVar variation 2673731 (VCV002673731.1), dbSNP rs2530774521, ClinGen allele CA2695200547.